The following is an entry in ClinVar:

ClinVar aggregate classification (germline): Likely pathogenic (1 of 4 stars; one submission).

Conditions:
Nephrolithiasis/nephrocalcinosis. Identifiers: MedGen CN580796.

Submission:

Ambry Genetics
Classification: Likely pathogenic for Nephrolithiasis/nephrocalcinosis. Last evaluated: 2026-03-04. Review status: criteria provided, single submitter. Criteria: Ambry Variant Classification Scheme 2023. Collection method: clinical testing. Allele origin: germline.
Comment: The c.1483C>T (p.P495S) alteration is located in exon 15 (coding exon 15) of the OCRL gene. This alteration results from a C to T substitution at nucleotide position 1483, causing the proline (P) at amino acid position 495 to be replaced by a serine (S). This variant was not reported in population-based cohorts in the Genome Aggregation Database (gnomAD). Other variant(s) at the same codon, c.1484C>T (p.P495L), have been identified in individual(s) with features consistent with OCRL-related syndrome (Suarez-Artiles, 2018). This amino acid position is highly conserved in available vertebrate species. This alteration is predicted to be deleterious by in silico analysis. Based on the available evidence, this alteration is classified as likely pathogenic.

Literature cited by the submitters: PubMed 29300302.

NM_000276.4(OCRL):c.1483C>T (p.Pro495Ser)

Gene: OCRL (OCRL inositol polyphosphate-5-phosphatase; plus strand). Cytogenetic location: Xq26.1.
Variant type: single nucleotide variant.
Coding change: c.1483C>T on transcript NM_000276.4 (MANE Select); coding-DNA position 1483, C replaced by T.
Protein change: p.Pro495Ser; replaces proline 495 with serine.
Molecular consequence: missense variant.
Genome position (GRCh38, 1-based): chrX:129,569,280, C>T. VCF-style: chrX-129569280-C-T. GRCh37 (hg19) VCF-style: chrX-128703257-C-T.
Other names: c.1486C>T, p.Pro496Ser (NM_001318784.2); c.1483C>T, p.Pro495Ser (NM_001587.4); short protein forms P495S, P496S.
Identifiers: ClinVar variation 4839706 (VCV004839706.1).